The following is an entry in ClinVar:

NM_001290060.2(SEMA3B):c.1866C>G (p.Thr622=)

Gene: SEMA3B (semaphorin 3B; plus strand). Cytogenetic location: 3p21.31.
Variant type: single nucleotide variant.
Coding change: c.1866C>G on transcript NM_001290060.2 (MANE Select); coding-DNA position 1866, C replaced by G.
Protein change: p.Thr622=; no amino-acid change (threonine 622 retained).
Molecular consequence: synonymous variant. On other transcripts: non-coding transcript variant (1).
Genome position (GRCh38, 1-based): chr3:50,276,322, C>G. VCF-style: chr3-50276322-C-G. GRCh37 (hg19) VCF-style: chr3-50313753-C-G.
Other names: c.1863C>G, p.Thr621= (NM_001005914.3); c.1881C>G, p.Thr627= (NM_001290061.1); c.837C>G, p.Thr279= (NM_001290062.2, NM_001290063.2); c.1866C>G, p.Thr622= (NM_004636.4).
Identifiers: ClinVar variation 3030593 (VCV003030593.2), dbSNP rs782747881, ClinGen allele CA2414190.

ClinVar aggregate classification (germline): Likely benign (0 of 4 stars; one submission).

Conditions:
SEMA3B-related disorder. Also called: SEMA3B-related condition.

Allele frequency attached by ClinVar (database versions not stated): ExAC 0.00014; 1000 Genomes Project 30x 0.00016.

Submission:

PreventionGenetics, part of Exact Sciences
Classification: Likely benign for SEMA3B-related condition. Last evaluated: 2023-10-10. Review status: no assertion criteria provided. Collection method: clinical testing. Allele origin: germline.
Comment: This variant is classified as likely benign based on ACMG/AMP sequence variant interpretation guidelines (Richards et al. 2015 PMID: 25741868, with internal and published modifications).